The following is an entry in ClinVar:

NM_020884.7(MYH7B):c.5249A>C (p.Glu1750Ala)

Gene: MYH7B (myosin heavy chain 7B; plus strand). Cytogenetic location: 20q11.22.
Variant type: single nucleotide variant.
Coding change: c.5249A>C on transcript NM_020884.7 (MANE Select); coding-DNA position 5249, A replaced by C.
Protein change: p.Glu1750Ala; replaces glutamic acid 1750 with alanine.
Molecular consequence: missense variant.
Genome position (GRCh38, 1-based): chr20:35,000,838, A>C. VCF-style: chr20-35000838-A-C. GRCh37 (hg19) VCF-style: chr20-33588641-A-C.
Other names: short protein forms E1750A.
Identifiers: ClinVar variation 3915651 (VCV003915651.2).
Genomic context (GRCh38, chr20:35,000,838, plus strand): 5'-TCCTAAACCAGAAGAAGAAGCTGGAGGCGGACTTGGCCCAGCTGAGCGGGGAGGTGGAGG[A>C]GGCTGCACAGGAGAGGCGGGAGGCTGAGGAGAAGGCCAAAAAGGCCATCACTGATGTGAG-3'
Protein context (NP_065935.4, residues 1740-1760): DLAQLSGEVE[Glu1750Ala]AAQERREAEE

ClinVar aggregate classification (germline): Uncertain significance. Review status: criteria provided, multiple submitters, no conflicts (2 of 4 stars). 2 submissions from 2 submitters: Uncertain significance (2). Last evaluated 2025-09-02.

gnomAD v4.1: 46 of 1,613,666 alleles (0.0029%); highest among the groups gnomAD compares: Admixed American, 0.013%; no homozygotes.

Submissions (2):

Labcorp Genetics (formerly Invitae), Labcorp
Classification: Uncertain significance. Last evaluated: 2025-09-02. Review status: criteria provided, single submitter. Criteria: Invitae Variant Classification Sherloc (09022015). Collection method: clinical testing. Allele origin: germline.
Comment: This sequence change replaces glutamic acid, which is acidic and polar, with alanine, which is neutral and non-polar, at codon 1792 of the MYH7B protein (p.Glu1792Ala). This variant is present in population databases (rs746642668, gnomAD 0.009%). This variant has not been reported in the literature in individuals affected with MYH7B-related conditions. ClinVar contains an entry for this variant (Variation ID: 3915651). Invitae Evidence Modeling of protein sequence and biophysical properties (such as structural, functional, and spatial information, amino acid conservation, physicochemical variation, residue mobility, and thermodynamic stability) indicates that this missense variant is not expected to disrupt MYH7B protein function with a negative predictive value of 80%. In summary, the available evidence is currently insufficient to determine the role of this variant in disease. Therefore, it has been classified as a Variant of Uncertain Significance.

Ambry Genetics
Classification: Uncertain significance. Last evaluated: 2025-05-04. Review status: criteria provided, single submitter. Criteria: Ambry Variant Classification Scheme 2023. Collection method: clinical testing. Allele origin: germline.